The following is an entry in ClinVar:

NM_004064.5(CDKN1B):c.410C>G (p.Pro137Arg)

Gene: CDKN1B (cyclin dependent kinase inhibitor 1B; plus strand). Cytogenetic location: 12p13.1.
Variant type: single nucleotide variant.
Coding change: c.410C>G on transcript NM_004064.5 (MANE Select); coding-DNA position 410, C replaced by G.
Protein change: p.Pro137Arg; replaces proline 137 with arginine.
Molecular consequence: missense variant.
Genome position (GRCh38, 1-based): chr12:12,718,249, C>G. VCF-style: chr12-12718249-C-G. GRCh37 (hg19) VCF-style: chr12-12871183-C-G.
Other names: c.410C>G (NM_004064.3); short protein forms P137R.
Identifiers: ClinVar variation 2161470 (VCV002161470.5), dbSNP rs369871673, ClinGen allele CA383970659.

ClinVar aggregate classification (germline): Uncertain significance. Review status: criteria provided, multiple submitters, no conflicts (2 of 4 stars). 2 submissions from 2 submitters: Uncertain significance (2). Last evaluated 2025-04-17.

Conditions:
Hereditary cancer-predisposing syndrome. Also called: Neoplastic Syndromes, Hereditary; Hereditary neoplastic syndrome; Hereditary Cancer Syndrome; Tumor predisposition. Identifiers: Orphanet 140162, MedGen C0027672, MeSH D009386, MONDO:0015356.
Multiple endocrine neoplasia type 4. Also called: MULTIPLE ENDOCRINE NEOPLASIA, TYPE IV. Identifiers: Orphanet 276152, MedGen C1970712, MONDO:0012552, OMIM 610755.

gnomAD v4.1: 1 of 1,610,866 alleles (0.000062%); highest among the groups gnomAD compares: Non-Finnish European, 0.000085%; no homozygotes.

Submissions (2):

Labcorp Genetics (formerly Invitae), Labcorp
Classification: Uncertain significance for Multiple endocrine neoplasia type 4. Last evaluated: 2025-04-17. Review status: criteria provided, single submitter. Criteria: Invitae Variant Classification Sherloc (09022015). Collection method: clinical testing. Allele origin: germline.
Comment: This sequence change replaces proline, which is neutral and non-polar, with arginine, which is basic and polar, at codon 137 of the CDKN1B protein (p.Pro137Arg). This variant is not present in population databases (gnomAD no frequency). This variant has not been reported in the literature in individuals affected with CDKN1B-related conditions. ClinVar contains an entry for this variant (Variation ID: 2161470). An algorithm developed to predict the effect of missense changes on protein structure and function (PolyPhen-2) suggests that this variant is likely to be tolerated. In summary, the available evidence is currently insufficient to determine the role of this variant in disease. Therefore, it has been classified as a Variant of Uncertain Significance.

Ambry Genetics
Classification: Uncertain significance for Hereditary cancer-predisposing syndrome. Last evaluated: 2024-05-10. Review status: criteria provided, single submitter. Criteria: Ambry Variant Classification Scheme 2023. Collection method: clinical testing. Allele origin: germline.
Comment: The p.P137R variant (also known as c.410C>G), located in coding exon 1 of the CDKN1B gene, results from a C to G substitution at nucleotide position 410. The proline at codon 137 is replaced by arginine, an amino acid with dissimilar properties. This amino acid position is conserved. In addition, this alteration is predicted to be tolerated by in silico analysis. Based on the available evidence, the clinical significance of this variant remains unclear.